The following is an entry in ClinVar:

NM_017831.4(RNF125):c.397GAG[1] (p.Glu134del)

Gene: RNF125 (ring finger protein 125; plus strand). Cytogenetic location: 18q12.1.
Variant type: Microsatellite.
Coding change: c.397GAG[1] on transcript NM_017831.4 (MANE Select); one copy of the 3-base unit GAG starting at c.397; the reference has two copies in a row; one copy, 3 bases deleted.
Protein change: p.Glu134del; deletes glutamic acid 134.
Genome position (GRCh38, 1-based): chr18:32,042,260-32,042,262, GAG deleted; deleting any 3 consecutive bases within chr18:32,042,257-32,042,262 gives the same sequence; the position shown is the placement nearest the transcript's 3' end. VCF-style (leftmost placement, unchanged base first): chr18-32042256-TGAG-T. GRCh37 (hg19) VCF-style: chr18-29622219-TGAG-T.
Other names: short protein forms E134del.
Identifiers: ClinVar variation 3668474 (VCV003668474.2).

ClinVar aggregate classification (germline): Uncertain significance (1 of 4 stars; one submission).

Conditions:
Tenorio syndrome (TNORS). Also called: OVERGROWTH, MACROCEPHALY, AND INTELLECTUAL DISABILITY SYNDROME. Identifiers: MedGen C4015710, MONDO:0014553, OMIM 616260.

Submission:

Labcorp Genetics (formerly Invitae), Labcorp
Classification: Uncertain significance for Tenorio syndrome. Last evaluated: 2024-06-12. Review status: criteria provided, single submitter. Criteria: Invitae Variant Classification Sherloc (09022015). Collection method: clinical testing. Allele origin: germline.
Comment: This variant, c.400_402del, results in the deletion of 1 amino acid(s) of the RNF125 protein (p.Glu134del), but otherwise preserves the integrity of the reading frame. This variant is not present in population databases (gnomAD no frequency). This variant has not been reported in the literature in individuals affected with RNF125-related conditions. Experimental studies and prediction algorithms are not available or were not evaluated, and the functional significance of this variant is currently unknown. In summary, the available evidence is currently insufficient to determine the role of this variant in disease. Therefore, it has been classified as a Variant of Uncertain Significance.